The following is an entry in ClinVar:

NM_001365480.1(CCDC88A):c.2218G>A (p.Gly740Ser)

Gene: CCDC88A (coiled-coil and HOOK domain protein 88A; minus strand). Cytogenetic location: 2p16.1.
Variant type: single nucleotide variant.
Coding change: c.2218G>A on transcript NM_001365480.1 (MANE Select); coding-DNA position 2218, G replaced by A.
Protein change: p.Gly740Ser; replaces glycine 740 with serine.
Molecular consequence: missense variant.
Genome position (GRCh38, 1-based): chr2:55,334,603, C>T on the plus strand (G>A on the coding strand, the complement: CCDC88A is on the minus strand). VCF-style: chr2-55334603-C-T. GRCh37 (hg19) VCF-style: chr2-55561739-C-T.
Other names: c.2218G>A (NM_001135597.1); c.2218G>A, p.Gly740Ser (NM_001135597.2, NM_001254943.2, NM_018084.5); short protein forms G740S.
Identifiers: ClinVar variation 1436981 (VCV001436981.5), dbSNP rs188706853, ClinGen allele CA1666014.
Genomic context (GRCh38, chr2:55,334,603, plus strand): 5'-CCTGGTAGCTAACTTCTAAGCGTTCTGTTTTCTTGAAAGATGCTTTCAGGAGCTCCAAAC[C>T]CTTCTTAAGTTGCTCTTTTTCACTTTCCAGTTCTTTGTTTTCTAGCTGTAGCTGAGCCAT-3'
Protein context (NP_001352409.1, residues 730-750): LESEKEQLKK[Gly740Ser]LELLKASFKK

ClinVar aggregate classification (germline): Uncertain significance. Review status: criteria provided, multiple submitters, no conflicts (2 of 4 stars). 3 submissions from 3 submitters: Uncertain significance (3). Last evaluated 2025-09-27.

gnomAD v4.1: 50 of 1,613,348 alleles (0.0031%); highest among the groups gnomAD compares: African/African-American, 0.048%; no homozygotes.

Submissions (3):

Ambry Genetics
Classification: Uncertain significance. Last evaluated: 2025-09-27. Review status: criteria provided, single submitter. Criteria: Ambry Variant Classification Scheme 2023. Collection method: clinical testing. Allele origin: germline.

Labcorp Genetics (formerly Invitae), Labcorp
Classification: Uncertain significance. Last evaluated: 2022-09-02. Review status: criteria provided, single submitter. Criteria: Invitae Variant Classification Sherloc (09022015). Collection method: clinical testing. Allele origin: germline.
Comment: This sequence change replaces glycine, which is neutral and non-polar, with serine, which is neutral and polar, at codon 740 of the CCDC88A protein (p.Gly740Ser). This variant is present in population databases (rs188706853, gnomAD 0.03%). This variant has not been reported in the literature in individuals affected with CCDC88A-related conditions. ClinVar contains an entry for this variant (Variation ID: 1436981). Algorithms developed to predict the effect of missense changes on protein structure and function (SIFT, PolyPhen-2, Align-GVGD) all suggest that this variant is likely to be tolerated. In summary, the available evidence is currently insufficient to determine the role of this variant in disease. Therefore, it has been classified as a Variant of Uncertain Significance.

Breakthrough Genomics
Classification: Uncertain significance. Review status: criteria provided, single submitter. Criteria: ACMG Guidelines, 2015. Collection method: not provided. Allele origin: germline. Inheritance: Autosomal recessive inheritance. Affected: yes.